The following is an entry in ClinVar:

NM_001260.3(CDK8):c.434A>G (p.Asn145Ser)

Gene: CDK8 (cyclin dependent kinase 8; plus strand). Cytogenetic location: 13q12.13.
Variant type: single nucleotide variant.
Coding change: c.434A>G on transcript NM_001260.3 (MANE Select); coding-DNA position 434, A replaced by G.
Protein change: p.Asn145Ser; replaces asparagine 145 with serine.
Molecular consequence: missense variant. On other transcripts: 5 prime UTR variant (1).
Genome position (GRCh38, 1-based): chr13:26,353,858, A>G. VCF-style: chr13-26353858-A-G. GRCh37 (hg19) VCF-style: chr13-26927995-A-G.
Other names: c.434A>G, p.Asn145Ser (NM_001318368.2); c.-28A>G (NM_001346501.2); short protein forms N145S.
Identifiers: ClinVar variation 2662044 (VCV002662044.2), dbSNP rs2542409193, ClinGen allele CA387684071.

ClinVar aggregate classification (germline): Uncertain significance (1 of 4 stars; one submission).

Submission:

GeneDx
Classification: Uncertain significance. Last evaluated: 2026-05-03. Review status: criteria provided, single submitter. Criteria: GeneDx Variant Classification Process June 2021. Collection method: clinical testing. Allele origin: germline.
Comment: Not observed at significant frequency in large population cohorts (gnomAD); In silico analysis supports that this missense variant has a deleterious effect on protein structure/function; Has not been previously published as pathogenic or benign to our knowledge